The following is an entry in ClinVar:

ClinVar aggregate classification (germline): Likely benign. Review status: criteria provided, multiple submitters, no conflicts (2 of 4 stars). 2 submissions from 2 submitters: Likely benign (2). Last evaluated 2026-07-01.

Conditions:
Tumor predisposition syndrome 3 (TPDS3). Also called: Glioma susceptibility 9; LONG TELOMERE SYNDROME, POT1-RELATED; POT1 Tumor Predisposition; Melanoma, cutaneous malignant, susceptibility to, 10. Identifiers: Orphanet 618, MedGen C4014476, MONDO:0014368, OMIM 615848.

Submissions (2):

CeGaT Center for Human Genetics Tuebingen
Classification: Likely benign. Last evaluated: 2026-07-01. Review status: criteria provided, single submitter. Criteria: CeGaT Center For Human Genetics Tuebingen Variant Classification Criteria Version 2. Collection method: clinical testing. Allele origin: germline. Affected: yes. Observed: 1 variant allele.
Comment: POT1: BP4, BP7

Labcorp Genetics (formerly Invitae), Labcorp
Classification: Likely benign for Tumor predisposition syndrome 3. Last evaluated: 2018-12-06. Review status: criteria provided, single submitter. Criteria: Invitae Variant Classification Sherloc (09022015). Collection method: clinical testing. Allele origin: germline.

NM_015450.3(POT1):c.822A>C (p.Gly274=)

Gene: POT1 (protection of telomeres 1; minus strand). Cytogenetic location: 7q31.33.
Variant type: single nucleotide variant.
Coding change: c.822A>C on transcript NM_015450.3 (MANE Select); coding-DNA position 822, A replaced by C.
Protein change: p.Gly274=; no amino-acid change (glycine 274 retained).
Molecular consequence: synonymous variant. On other transcripts: non-coding transcript variant (3).
Genome position (GRCh38, 1-based): chr7:124,853,019, T>G on the plus strand (A>C on the coding strand, the complement: POT1 is on the minus strand). VCF-style: chr7-124853019-T-G. GRCh37 (hg19) VCF-style: chr7-124493073-T-G.
Other names: c.429A>C, p.Gly143= (NM_001042594.2).
Identifiers: ClinVar variation 798625 (VCV000798625.11), dbSNP rs1584765621, ClinGen allele CA457467444.